The following is an entry in ClinVar:

NM_002435.3(MPI):c.488-1G>C

Gene: MPI (mannose phosphate isomerase; plus strand). Cytogenetic location: 15q24.1.
Variant type: single nucleotide variant.
Coding change: c.488-1G>C on transcript NM_002435.3 (MANE Select); the canonical splice acceptor site of the intron before coding-DNA position 488, G replaced by C.
Molecular consequence: splice acceptor variant. On other transcripts: intron variant (1).
Genome position (GRCh38, 1-based): chr15:74,893,137, G>C. VCF-style: chr15-74893137-G-C. GRCh37 (hg19) VCF-style: chr15-75185478-G-C.
Other names: c.428-1G>C (NM_001330372.2); c.488-1G>C (NM_001289155.2, NM_002435.2); c.487+335G>C (NM_001289157.2); c.338-1G>C (NM_001289156.2).
Identifiers: ClinVar variation 371556 (VCV000371556.14), dbSNP rs759579169, ClinGen allele CA7662459.
Genomic context (GRCh38, chr15:74,893,137, plus strand): 5'-CACTTGTGTGGGTTCCATCTTACCATTCCTGATATGGGCCCTGGGCCTTGCCTTCCTGTA[G>C]AGGTGCCTGAGTTTCAGTTCCTGATTGGAGATGAGGCAGCAACACACCTGAAGCAGACCA-3'

ClinVar aggregate classification (germline): Pathogenic/Likely pathogenic. Review status: criteria provided, multiple submitters, no conflicts (2 of 4 stars). 5 submissions from 5 submitters: Pathogenic (3); Likely pathogenic (1). 1 of the submissions does not count toward it. Last evaluated 2024-12-19.

Conditions:
MPI-congenital disorder of glycosylation. Also called: CONGENITAL DISORDER OF GLYCOSYLATION, TYPE Ib; MANNOSEPHOSPHATE ISOMERASE DEFICIENCY; MPI-CDG; PROTEIN-LOSING ENTEROPATHY-HEPATIC FIBROSIS SYNDROME; MPI DEFICIENCY; CDG Ib. Identifiers: Orphanet 79319, MedGen C1865145, MONDO:0011257, OMIM 602579.

Allele frequency attached by ClinVar (database versions not stated): gnomAD exomes below 0.00001 and 0.00001; ExAC 0.00001; TOPMed 0.00001.

Submissions (5):

Natera, Inc.
Classification: Likely pathogenic for Congenital disorder of glycosylation type 1b. Last evaluated: 2024-12-19. Review status: criteria provided, single submitter. Criteria: Natera Variant Classification Schema (03/2026). Collection method: clinical testing. Allele origin: germline.
Comment: The c.488-1G>C variant in MPI is a canonical splice acceptor site variant predicted to affect pre-mRNA splicing, which may result in an abnormal transcript and altered protein product. This variant is expected to result in nonsense mediated decay, truncation, or a dysfunctional protein product. This variant is rare in the general population with a frequency below the threshold expected for the associated phenotype(s). This variant has been observed in one or more individuals affected with the associated recessive disease, as either homozygous or compound heterozygous with a second variant (PMID: 38959600, 33413482, 10980531). Given the available evidence, this variant is classified as Likely Pathogenic.

Baylor Genetics
Classification: Pathogenic for MPI-congenital disorder of glycosylation. Last evaluated: 2023-12-01. Review status: criteria provided, single submitter. Criteria: ACMG Guidelines, 2015. Collection method: clinical testing. Allele origin: unknown.

Labcorp Genetics (formerly Invitae), Labcorp
Classification: Pathogenic for MPI-congenital disorder of glycosylation. Last evaluated: 2023-04-18. Review status: criteria provided, single submitter. Criteria: Invitae Variant Classification Sherloc (09022015). Collection method: clinical testing. Allele origin: germline.
Comment: For these reasons, this variant has been classified as Pathogenic. Algorithms developed to predict the effect of sequence changes on RNA splicing suggest that this variant may disrupt the consensus splice site. ClinVar contains an entry for this variant (Variation ID: 371556). This variant is also known as IVS4-1G>C. Disruption of this splice site has been observed in individual(s) with MPI-congenital disorder of glycosylation (PMID: 10980531). This variant is present in population databases (rs759579169, gnomAD 0.002%). This sequence change affects an acceptor splice site in intron 4 of the MPI gene. It is expected to disrupt RNA splicing. Variants that disrupt the donor or acceptor splice site typically lead to a loss of protein function (PMID: 16199547), and loss-of-function variants in MPI are known to be pathogenic (PMID: 19862844).

Fulgent Genetics
Classification: Pathogenic for MPI-congenital disorder of glycosylation. Last evaluated: 2022-03-19. Review status: criteria provided, single submitter. Criteria: ACMG Guidelines, 2015. Collection method: clinical testing. Allele origin: unknown.

Counsyl
Classification: Likely pathogenic for MPI-congenital disorder of glycosylation. Last evaluated: 2016-10-17. Review status: no assertion criteria provided. Collection method: clinical testing. Allele origin: unknown. Not counted in ClinVar's aggregate classification.

Literature cited by the submitters: PubMed 38959600 (cited by Natera, Inc.); PubMed 33413482 (cited by Natera, Inc.); PubMed 10980531 (cited by 3 submitters); PubMed 16199547 (cited by Labcorp Genetics (formerly Invitae), Labcorp); PubMed 19862844 (cited by Labcorp Genetics (formerly Invitae), Labcorp).